The following is an entry in ClinVar:

NM_004815.4(ARHGAP29):c.2864G>A (p.Arg955His)

Gene: ARHGAP29 (Rho GTPase activating protein 29; minus strand). Cytogenetic location: 1p22.1.
Variant type: single nucleotide variant.
Coding change: c.2864G>A on transcript NM_004815.4 (MANE Select); coding-DNA position 2864, G replaced by A.
Protein change: p.Arg955His; replaces arginine 955 with histidine.
Molecular consequence: missense variant.
Genome position (GRCh38, 1-based): chr1:94,177,653, C>T on the plus strand (G>A on the coding strand, the complement: ARHGAP29 is on the minus strand). VCF-style: chr1-94177653-C-T. GRCh37 (hg19) VCF-style: chr1-94643209-C-T.
Other names: c.2864G>A, p.Arg955His (NM_001328664.2); c.2672G>A, p.Arg891His (NM_001328665.2, NM_001328667.2); c.2837G>A, p.Arg946His (NM_001328666.2); short protein forms R891H, R946H, R955H.
Identifiers: ClinVar variation 3045719 (VCV003045719.2), dbSNP rs113546321, ClinGen allele CA959189.

ClinVar aggregate classification (germline): Likely benign (0 of 4 stars; one submission).

Conditions:
ARHGAP29-related disorder. Also called: ARHGAP29-Related Disorders; ARHGAP29-related condition.

Allele frequency attached by ClinVar (database versions not stated): ExAC 0.00045; ESP Exome Variant Server 0.00085; gnomAD 0.00089; 1000 Genomes Project 0.00100; TOPMed 0.00110; 1000 Genomes Project 30x 0.00141.
gnomAD v4.1: 475 of 1,613,220 alleles (0.029%); highest among the groups gnomAD compares: African/African-American, 0.23%; 2 homozygotes.

Submission:

PreventionGenetics, part of Exact Sciences
Classification: Likely benign for ARHGAP29-related condition. Last evaluated: 2023-07-17. Review status: no assertion criteria provided. Collection method: clinical testing. Allele origin: germline.
Comment: This variant is classified as likely benign based on ACMG/AMP sequence variant interpretation guidelines (Richards et al. 2015 PMID: 25741868, with internal and published modifications).